The following is an entry in ClinVar:

ClinVar aggregate classification (germline): Uncertain significance. Review status: criteria provided, multiple submitters, no conflicts (2 of 4 stars). 2 submissions from 2 submitters: Uncertain significance (2). Last evaluated 2024-03-29.

Conditions:
Inborn genetic diseases. Identifiers: MedGen C0950123, MeSH D030342.

Allele frequency attached by ClinVar (database versions not stated): gnomAD exomes below 0.00001.
gnomAD v4.1: 1 of 1,613,052 alleles (0.000062%); highest among the groups gnomAD compares: East Asian, 0.0022%; no homozygotes.

Submissions (2):

Ambry Genetics
Classification: Uncertain significance for Inborn genetic diseases. Last evaluated: 2024-03-29. Review status: criteria provided, single submitter. Criteria: Ambry Variant Classification Scheme 2023. Collection method: clinical testing. Allele origin: germline.

Labcorp Genetics (formerly Invitae), Labcorp
Classification: Uncertain significance. Last evaluated: 2022-02-11. Review status: criteria provided, single submitter. Criteria: Invitae Variant Classification Sherloc (09022015). Collection method: clinical testing. Allele origin: germline.
Comment: This sequence change replaces isoleucine, which is neutral and non-polar, with threonine, which is neutral and polar, at codon 132 of the ACAD9 protein (p.Ile132Thr). This variant is not present in population databases (gnomAD no frequency). This variant has not been reported in the literature in individuals affected with ACAD9-related conditions. Algorithms developed to predict the effect of missense changes on protein structure and function output the following: SIFT: "Tolerated"; PolyPhen-2: "Benign"; Align-GVGD: "Class C0". The threonine amino acid residue is found in multiple mammalian species, which suggests that this missense change does not adversely affect protein function. In summary, the available evidence is currently insufficient to determine the role of this variant in disease. Therefore, it has been classified as a Variant of Uncertain Significance.

NM_014049.5(ACAD9):c.395T>C (p.Ile132Thr)

Gene: ACAD9 (acyl-CoA dehydrogenase family member 9; plus strand). Cytogenetic location: 3q21.3.
Variant type: single nucleotide variant.
Coding change: c.395T>C on transcript NM_014049.5 (MANE Select); coding-DNA position 395, T replaced by C.
Protein change: p.Ile132Thr; replaces isoleucine 132 with threonine.
Molecular consequence: missense variant. On other transcripts: non-coding transcript variant (1).
Genome position (GRCh38, 1-based): chr3:128,895,358, T>C. VCF-style: chr3-128895358-T-C. GRCh37 (hg19) VCF-style: chr3-128614201-T-C.
Other names: c.26T>C, p.Ile9Thr (NM_001410805.1); c.395T>C (NM_014049.4); short protein forms I132T, I9T.
Identifiers: ClinVar variation 2417941 (VCV002417941.4), dbSNP rs2529255323, ClinGen allele CA354433162.